The following is an entry in ClinVar:

ClinVar aggregate classification (germline): Benign (1 of 4 stars; one submission).

Allele frequency attached by ClinVar (database versions not stated): gnomAD exomes 0.02280; gnomAD 0.04993 and 0.05117; 1000 Genomes Project 0.05112; TOPMed 0.05288; 1000 Genomes Project 30x 0.05309.
gnomAD v4.1: 38,505 of 1,490,650 alleles (2.6%); highest among the groups gnomAD compares: African/African-American, 12%; 894 homozygotes.

Submission:

GeneDx
Classification: Benign. Last evaluated: 2018-06-18. Review status: criteria provided, single submitter. Criteria: GeneDx Variant Classification (06012015). Collection method: clinical testing. Allele origin: germline. Affected: yes.
Comment: This variant is considered likely benign or benign based on one or more of the following criteria: it is a conservative change, it occurs at a poorly conserved position in the protein, it is predicted to be benign by multiple in silico algorithms, and/or has population frequency not consistent with disease.

NM_032340.4(UQCC2):c.138+87G>T

Gene: UQCC2 (ubiquinol-cytochrome c reductase complex assembly factor 2; minus strand). Cytogenetic location: 6p21.31.
Variant type: single nucleotide variant.
Coding change: c.138+87G>T on transcript NM_032340.4 (MANE Select); 87 bases into the intron after coding-DNA position 138, G replaced by T.
Molecular consequence: intron variant.
Genome position (GRCh38, 1-based): chr6:33,711,462, C>A on the plus strand (G>T on the coding strand, the complement: UQCC2 is on the minus strand). VCF-style: chr6-33711462-C-A. GRCh37 (hg19) VCF-style: chr6-33679239-C-A.
Identifiers: ClinVar variation 676443 (VCV000676443.1), dbSNP rs7759182, ClinGen allele CA137114301.